The following is an entry in ClinVar:

ClinVar aggregate classification (germline): Conflicting classifications of pathogenicity. Review status: criteria provided, conflicting classifications (1 of 4 stars). 3 submissions from 3 submitters: Uncertain significance (2); Likely benign (1). Last evaluated 2024-09-20.

Conditions:
X-linked severe congenital neutropenia (SCNX). Identifiers: Orphanet 86788, MedGen C1845987, MONDO:0010294, OMIM 300299.
Thrombocytopenia 1. Also called: X-linked thrombocytopenia with normal platelets; X-Linked Thrombocytopenia (XLT); THROMBOCYTOPENIA, X-LINKED, 1. Identifiers: Orphanet 268322, Orphanet 852, MedGen C1839163, MONDO:0010743, OMIM 313900.
Wiskott-Aldrich syndrome (WAS). Also called: ALDRICH SYNDROME; IMMUNODEFICIENCY 2; Wiskott-aldrich syndrome, somatic; WISKOTT-ALDRICH SYNDROME 1. Identifiers: Orphanet 906, MedGen C0043194, MONDO:0010518, OMIM 301000.

Submissions (3):

3billion
Classification: Likely benign for Thrombocytopenia 1; X-linked severe congenital neutropenia; Wiskott-Aldrich syndrome. Last evaluated: 2024-09-20. Review status: criteria provided, single submitter. Criteria: ACMG Guidelines, 2015. Collection method: clinical testing. Allele origin: germline. Affected: no.
Comment: The hemizygous variant was found in patients with no symptoms related to the gene containing the hemizygous variant.

Labcorp Genetics (formerly Invitae), Labcorp
Classification: Uncertain significance for Wiskott-Aldrich syndrome; X-linked severe congenital neutropenia; Thrombocytopenia 1. Last evaluated: 2022-07-06. Review status: criteria provided, single submitter. Criteria: Invitae Variant Classification Sherloc (09022015). Collection method: clinical testing. Allele origin: germline.
Comment: This variant is not present in population databases (gnomAD no frequency). In summary, the available evidence is currently insufficient to determine the role of this variant in disease. Therefore, it has been classified as a Variant of Uncertain Significance. Experimental studies and prediction algorithms are not available or were not evaluated, and the functional significance of this variant is currently unknown. ClinVar contains an entry for this variant (Variation ID: 577977). This variant has not been reported in the literature in individuals affected with WAS-related conditions. This variant, c.1060_1062del, results in the deletion of 1 amino acid(s) of the WAS protein (p.Pro354del), but otherwise preserves the integrity of the reading frame.

Blueprint Genetics
Classification: Uncertain significance. Last evaluated: 2019-10-07. Review status: criteria provided, single submitter. Criteria: ACMG Guidelines, 2015. Collection method: clinical testing. Allele origin: germline.

NM_000377.3(WAS):c.1057CCA[1] (p.Pro354del)

Gene: WAS (WASP actin nucleation promoting factor; plus strand). Cytogenetic location: Xp11.23.
Variant type: Microsatellite.
Coding change: c.1057CCA[1] on transcript NM_000377.3 (MANE Select); one copy of the 3-base unit CCA starting at c.1057; the reference has two copies in a row; one copy, 3 bases deleted; also written c.1060_1062del.
Protein change: p.Pro354del; deletes proline 354.
Molecular consequence: inframe deletion.
Genome position (GRCh38, 1-based): chrX:48,688,788-48,688,790, CCA deleted; deleting any 3 consecutive bases within chrX:48,688,785-48,688,790 gives the same sequence; the position shown is the placement nearest the transcript's 3' end. VCF-style (leftmost placement, unchanged base first): chrX-48688784-CCCA-C. GRCh37 (hg19) VCF-style: chrX-48547173-CCCA-C.
Other names: c.1060_1062del (NM_000377.3); c.1060_1062delCCA (NM_000377.2); short protein forms P354del.
Identifiers: ClinVar variation 577977 (VCV000577977.10), dbSNP rs1569494034, ClinGen allele CA891844003.
Genomic context (GRCh38, chrX:48,688,784, plus strand): 5'-GGGGGGTAACAAGGGTCGTTCTGGTCCACTGCCCCCTGTACCTTTGGGGATTGCCCCACC[CCCA>C]CCAACACCCCGGGGACCCCCACCCCCAGGCCGAGGGGGCCCTCCACCACCACCCCCTCCA-3'